The following is an entry in ClinVar:

ClinVar aggregate classification (germline): Uncertain significance (1 of 4 stars; one submission).

Allele frequency attached by ClinVar (database versions not stated): gnomAD exomes below 0.00001.
gnomAD v4.1: 2 of 1,614,166 alleles (0.00012%); highest among the groups gnomAD compares: Non-Finnish European, 0.00017%; no homozygotes.

Submission:

Labcorp Genetics (formerly Invitae), Labcorp
Classification: Uncertain significance. Last evaluated: 2023-12-31. Review status: criteria provided, single submitter. Criteria: Invitae Variant Classification Sherloc (09022015). Collection method: clinical testing. Allele origin: germline.
Comment: This sequence change replaces arginine, which is basic and polar, with cysteine, which is neutral and slightly polar, at codon 258 of the ABL1 protein (p.Arg258Cys). This variant is not present in population databases (gnomAD no frequency). This variant has not been reported in the literature in individuals affected with ABL1-related conditions. Advanced modeling of protein sequence and biophysical properties (such as structural, functional, and spatial information, amino acid conservation, physicochemical variation, residue mobility, and thermodynamic stability) has been performed at Invitae for this missense variant, however the output from this modeling did not meet the statistical confidence thresholds required to predict the impact of this variant on ABL1 protein function. In summary, the available evidence is currently insufficient to determine the role of this variant in disease. Therefore, it has been classified as a Variant of Uncertain Significance.

NM_005157.6(ABL1):c.715C>T (p.Arg239Cys)

Gene: ABL1 (ABL proto-oncogene 1, non-receptor tyrosine kinase; plus strand). Cytogenetic location: 9q34.12.
Variant type: single nucleotide variant.
Coding change: c.715C>T on transcript NM_005157.6 (MANE Select); coding-DNA position 715, C replaced by T.
Protein change: p.Arg239Cys; replaces arginine 239 with cysteine.
Molecular consequence: missense variant.
Genome position (GRCh38, 1-based): chr9:130,862,928, C>T. VCF-style: chr9-130862928-C-T. GRCh37 (hg19) VCF-style: chr9-133738315-C-T.
Other names: c.772C>T, p.Arg258Cys (NM_007313.3); short protein forms R239C, R258C.
Identifiers: ClinVar variation 2706704 (VCV002706704.3), dbSNP rs2132973905, ClinGen allele CA375263007.